The following is an entry in ClinVar:

ClinVar aggregate classification (germline): Uncertain significance (1 of 4 stars; one submission).

Allele frequency attached by ClinVar (database versions not stated): gnomAD exomes below 0.00001.
gnomAD v4.1: 3 of 1,614,160 alleles (0.00019%); highest among the groups gnomAD compares: South Asian, 0.0033%; no homozygotes.

Submission:

Labcorp Genetics (formerly Invitae), Labcorp
Classification: Uncertain significance. Last evaluated: 2022-11-01. Review status: criteria provided, single submitter. Criteria: Invitae Variant Classification Sherloc (09022015). Collection method: clinical testing. Allele origin: germline.
Comment: In summary, the available evidence is currently insufficient to determine the role of this variant in disease. Therefore, it has been classified as a Variant of Uncertain Significance. Advanced modeling of protein sequence and biophysical properties (such as structural, functional, and spatial information, amino acid conservation, physicochemical variation, residue mobility, and thermodynamic stability) performed at Invitae indicates that this missense variant is not expected to disrupt ANK3 protein function. This variant has not been reported in the literature in individuals affected with ANK3-related conditions. This variant is not present in population databases (gnomAD no frequency). This sequence change replaces threonine, which is neutral and polar, with isoleucine, which is neutral and non-polar, at codon 1558 of the ANK3 protein (p.Thr1558Ile).

NM_020987.5(ANK3):c.4673C>T (p.Thr1558Ile)

Gene: ANK3 (ankyrin 3; minus strand). Cytogenetic location: 10q21.2.
Variant type: single nucleotide variant.
Coding change: c.4673C>T on transcript NM_020987.5 (MANE Select); coding-DNA position 4673, C replaced by T.
Protein change: p.Thr1558Ile; replaces threonine 1558 with isoleucine.
Molecular consequence: missense variant. On other transcripts: intron variant (4).
Genome position (GRCh38, 1-based): chr10:60,076,208, G>A on the plus strand (C>T on the coding strand, the complement: ANK3 is on the minus strand). VCF-style: chr10-60076208-G-A. GRCh37 (hg19) VCF-style: chr10-61835966-G-A.
Other names: c.4387+4329C>T (NM_001204403.2); c.4408+4329C>T (NM_001204404.2); c.4405+4329C>T (NM_001320874.2); c.1807+4329C>T (NM_001149.4); short protein forms T1558I.
Identifiers: ClinVar variation 2809044 (VCV002809044.3), dbSNP rs2492578696, ClinGen allele CA377017104.
Genomic context (GRCh38, chr10:60,076,208, plus strand): 5'-GACATTGTCCGAAAGGATCTAATTGGAGATGCCACGTCACTAATGGATTTAACTGAAGAT[G>A]TAGTTGACGCGCCTAATGTGGATTTGATTGGAGAAGGTGTCGAAACAGACCATATTGATT-3'
Protein context (NP_066267.2, residues 1548-1568): PIKSTLGAST[Thr1558Ile]SSVKSISDVA